The following is an entry in ClinVar:

NM_000431.4(MVK):c.1005C>T (p.Gly335=)

Gene: MVK (mevalonate kinase; plus strand). Cytogenetic location: 12q24.11.
Variant type: single nucleotide variant.
Coding change: c.1005C>T on transcript NM_000431.4 (MANE Select); coding-DNA position 1005, C replaced by T.
Protein change: p.Gly335=; no amino-acid change (glycine 335 retained).
Molecular consequence: synonymous variant.
Genome position (GRCh38, 1-based): chr12:109,595,147, C>T. VCF-style: chr12-109595147-C-T. GRCh37 (hg19) VCF-style: chr12-110032952-C-T.
Other names: c.1005C>T (LRG_156t1); c.1005C>T, p.Gly335= (NM_001114185.3); c.849C>T, p.Gly283= (NM_001301182.2).
Identifiers: ClinVar variation 97560 (VCV000097560.12), dbSNP rs104895357, ClinGen allele CA149764.

ClinVar aggregate classification (germline): Likely benign. Review status: criteria provided, multiple submitters, no conflicts (2 of 4 stars). 5 submissions from 5 submitters: Likely benign (4). 1 of the submissions does not count toward it. Last evaluated 2025-01-28.

Conditions:
Porokeratosis 3, disseminated superficial actinic type (POROK3). Also called: POROKERATOSIS, DISSEMINATED SUPERFICIAL ACTINIC, 1; POROKERATOSIS 3, MULTIPLE TYPES; POROKERATOSIS 3, MIBELLI TYPE. Identifiers: MedGen C1867981, MONDO:0008293, OMIM 175900.
Mevalonic aciduria (MEVA). Identifiers: Orphanet 29, MedGen C1959626, MONDO:0012481, OMIM 610377.
Hyperimmunoglobulin D with periodic fever (HIDS). Also called: Hyperimmunoglobulinemia D; HYPERIMMUNOGLOBULINEMIA D AND PERIODIC FEVER SYNDROME; Hyperimmunoglobulinemia D with periodic fever. Identifiers: Orphanet 343, MedGen C0398691, MONDO:0009849, OMIM 260920.

Allele frequency attached by ClinVar (database versions not stated): gnomAD 0.00001 and 0.00003; ExAC 0.00002; TOPMed 0.00002; gnomAD exomes 0.00003 and 0.00004.
gnomAD v4.1: 57 of 1,613,950 alleles (0.0035%); highest among the groups gnomAD compares: South Asian, 0.0066%; no homozygotes.

Submissions (5):

Labcorp Genetics (formerly Invitae), Labcorp
Classification: Likely benign for Mevalonic aciduria; Hyperimmunoglobulin D with periodic fever; Porokeratosis 3, disseminated superficial actinic type. Last evaluated: 2025-01-28. Review status: criteria provided, single submitter. Criteria: Invitae Variant Classification Sherloc (09022015). Collection method: clinical testing. Allele origin: germline.

Women's Health and Genetics/Laboratory Corporation of America, LabCorp
Classification: Likely benign. Last evaluated: 2024-10-04. Review status: criteria provided, single submitter. Criteria: LabCorp Variant Classification Summary - May 2015. Collection method: clinical testing. Allele origin: germline.

Blueprint Genetics
Classification: Likely benign. Last evaluated: 2024-08-27. Review status: criteria provided, single submitter. Criteria: ACMG Guidelines, 2015. Collection method: clinical testing. Allele origin: germline.

GeneDx
Classification: Likely benign. Last evaluated: 2018-01-12. Review status: criteria provided, single submitter. Criteria: GeneDx Variant Classification (06012015). Collection method: clinical testing. Allele origin: germline. Affected: yes.
Comment: This variant is considered likely benign or benign based on one or more of the following criteria: it is a conservative change, it occurs at a poorly conserved position in the protein, it is predicted to be benign by multiple in silico algorithms, and/or has population frequency not consistent with disease.

Unité médicale des maladies autoinflammatoires, CHRU Montpellier
No classification provided. Condition: Hyperimmunoglobulin D with periodic fever. Review status: no classification provided. Collection method: not provided. Allele origin: unknown. Not counted in ClinVar's aggregate classification.
Comment: also involved in OMIM 25117